The following is an entry in ClinVar:

ClinVar aggregate classification (germline): Likely pathogenic (1 of 4 stars; one submission).

Conditions:
Mucopolysaccharidosis, MPS-III-C (MPS3C). Also called: SANFILIPPO SYNDROME C; MPS IIIC (Sanfilippo Syndrome Type C); MPS III C; Mucopolysaccharidosis type IIIC (Sanfilippo C); MUCOPOLYSACCHARIDOSIS, TYPE IIIC; mucopolysaccharidosis type 3C. Identifiers: Orphanet 581, Orphanet 79271, MedGen C0086649, MONDO:0009657, OMIM 252930.

Allele frequency attached by ClinVar (database versions not stated): gnomAD exomes below 0.00001.
gnomAD v4.1: 1 of 1,612,578 alleles (0.000062%); highest among the groups gnomAD compares: Non-Finnish European, 0.000085%; no homozygotes.

Submission:

Women's Health and Genetics/Laboratory Corporation of America, LabCorp
Classification: Likely pathogenic for Mucopolysaccharidosis, MPS-III-C. Last evaluated: 2024-11-26. Review status: criteria provided, single submitter. Criteria: LabCorp Variant Classification Summary - May 2015. Collection method: clinical testing. Allele origin: germline.
Comment: Variant summary: HGSNAT c.850T>C (p.Trp284Arg) results in a non-conservative amino acid change located in the catalytic domain (IPR012429) of the encoded protein sequence. Five of five in-silico tools predict a damaging effect of the variant on protein function. The variant was absent in 246522 control chromosomes. These data indicate that the variant is likely to be associated with disease. To our knowledge, no experimental evidence demonstrating an impact on protein function has been reported. The following publication has been ascertained in the context of this evaluation (DOI: 10.1055/s-0036-1586409). ClinVar contains an entry for this variant (Variation ID: 2445885). Based on the evidence outlined above, the variant was classified as likely pathogenic.

NM_152419.3(HGSNAT):c.850T>C (p.Trp284Arg)

Gene: HGSNAT (heparan-alpha-glucosaminide N-acetyltransferase; plus strand). Cytogenetic location: 8p11.21.
Variant type: single nucleotide variant.
Coding change: c.850T>C on transcript NM_152419.3 (MANE Select); coding-DNA position 850, T replaced by C.
Protein change: p.Trp284Arg; replaces tryptophan 284 with arginine.
Molecular consequence: missense variant. On other transcripts: intron variant (2).
Genome position (GRCh38, 1-based): chr8:43,173,742, T>C. VCF-style: chr8-43173742-T-C. GRCh37 (hg19) VCF-style: chr8-43028885-T-C.
Other names: c.850T>C (NM_152419.2); c.850T>C, p.Trp284Arg (NM_001363227.2); c.-14+1356T>C (NM_001363229.2); c.820+1356T>C (NM_001363228.2); short protein forms W284R.
Identifiers: ClinVar variation 2445885 (VCV002445885.2), dbSNP rs2486980770, ClinGen allele CA371116548.